The following is an entry in ClinVar:

ClinVar aggregate classification (germline): Likely benign (1 of 4 stars; one submission).

gnomAD v4.1: 609 of 152,292 alleles (0.4%); highest among the groups gnomAD compares: Middle Eastern, 0.68%; 3 homozygotes.

Submission:

CeGaT Center for Human Genetics Tuebingen
Classification: Likely benign. Last evaluated: 2026-06-01. Review status: criteria provided, single submitter. Criteria: CeGaT Center For Human Genetics Tuebingen Variant Classification Criteria Version 2. Collection method: clinical testing. Allele origin: germline. Affected: yes. Observed: 5 variant alleles.
Comment: PDE10A: BS2

NC_000006.12:g.165711136T>C

Gene: PDE10A (phosphodiesterase 10A; minus strand). Cytogenetic location: 6q27.
Variant type: single nucleotide variant.
Genome position: GRCh38 VCF-style: chr6-165711136-T-C. GRCh37 (hg19) VCF-style: chr6-166124624-T-C.
Identifiers: ClinVar variation 4820924 (VCV004820924.4).
Genomic context (GRCh38, chr6:165,711,136, plus strand): 5'-GGGGGTCTGTCCCGCTCCTCAAAGCCAACAAAGCGGGTCCTTTGCTCCCACCTTTAAGCA[T>C]GAAGGGGAGGCGGCTGGCTGGAGAGAACAACAGGGATATGACGTTAGCAGTAAGTTCTAC-3'